The following is an entry in ClinVar:

NM_020987.5(ANK3):c.11156G>T (p.Arg3719Leu)

Gene: ANK3 (ankyrin 3; minus strand). Cytogenetic location: 10q21.2.
Variant type: single nucleotide variant.
Coding change: c.11156G>T on transcript NM_020987.5 (MANE Select); coding-DNA position 11156, G replaced by T.
Protein change: p.Arg3719Leu; replaces arginine 3719 with leucine.
Molecular consequence: missense variant. On other transcripts: intron variant (4).
Genome position (GRCh38, 1-based): chr10:60,069,725, C>A on the plus strand (G>T on the coding strand, the complement: ANK3 is on the minus strand). VCF-style: chr10-60069725-C-A. GRCh37 (hg19) VCF-style: chr10-61829483-C-A.
Other names: c.4388-1716G>T (NM_001204403.2); c.4409-1716G>T (NM_001204404.2); c.4406-1716G>T (NM_001320874.2); c.1808-1716G>T (NM_001149.4); short protein forms R3719L.
Identifiers: ClinVar variation 2197711 (VCV002197711.4), dbSNP rs748061808, ClinGen allele CA5511145.

ClinVar aggregate classification (germline): Uncertain significance (1 of 4 stars; one submission).

gnomAD v4.1: 12 of 1,613,476 alleles (0.00074%); highest among the groups gnomAD compares: Admixed American, 0.02%; no homozygotes.

Submission:

Labcorp Genetics (formerly Invitae), Labcorp
Classification: Uncertain significance. Last evaluated: 2024-05-18. Review status: criteria provided, single submitter. Criteria: Invitae Variant Classification Sherloc (09022015). Collection method: clinical testing. Allele origin: germline.
Comment: This sequence change replaces arginine, which is basic and polar, with leucine, which is neutral and non-polar, at codon 3719 of the ANK3 protein (p.Arg3719Leu). This variant is present in population databases (rs748061808, gnomAD 0.03%). This variant has not been reported in the literature in individuals affected with ANK3-related conditions. ClinVar contains an entry for this variant (Variation ID: 2197711). An algorithm developed to predict the effect of missense changes on protein structure and function (PolyPhen-2) suggests that this variant is likely to be disruptive. In summary, the available evidence is currently insufficient to determine the role of this variant in disease. Therefore, it has been classified as a Variant of Uncertain Significance.